The following is an entry in ClinVar:

ClinVar aggregate classification (germline): Conflicting classifications of pathogenicity. Review status: criteria provided, conflicting classifications (1 of 4 stars). 4 submissions from 4 submitters: Uncertain significance (3); Likely benign (1). Last evaluated 2026-07-28.

Conditions:
Inborn genetic diseases. Identifiers: MedGen C0950123, MeSH D030342.
SLC52A2-related disorder. Also called: SLC52A2-related condition.
Brown-Vialetto-van Laere syndrome 2. Also called: Riboflavin transporter deficiency type 2; SPINOCEREBELLAR ATAXIA WITH BLINDNESS AND DEAFNESS 2. Identifiers: Orphanet 572543, Orphanet 97229, MedGen C3553538, MONDO:0013867, OMIM 614707.

Allele frequency attached by ClinVar (database versions not stated): gnomAD 0.00011 and 0.00010; TOPMed 0.00014; 1000 Genomes Project 30x 0.00078; ExAC 0.00007; 1000 Genomes Project 0.00060.

Submissions (4):

PreventionGenetics, part of Exact Sciences
Classification: Uncertain significance for SLC52A2-related condition. Last evaluated: 2026-07-28. Review status: criteria provided, single submitter. Criteria: ACMG Guidelines, 2015. Collection method: clinical testing. Allele origin: germline.
Comment: The SLC52A2 c.370G>T variant is predicted to result in the amino acid substitution p.Ala124Ser. To our knowledge, this variant has not been reported in the literature. This variant is reported in 0.064% of alleles in individuals of African descent in gnomAD. Although we suspect that this variant may be benign, at this time, the clinical significance of this variant is uncertain due to the absence of conclusive functional and genetic evidence.

Labcorp Genetics (formerly Invitae), Labcorp
Classification: Likely benign for Brown-Vialetto-van Laere syndrome 2. Last evaluated: 2025-10-31. Review status: criteria provided, single submitter. Criteria: Invitae Variant Classification Sherloc (09022015). Collection method: clinical testing. Allele origin: germline.

Ambry Genetics
Classification: Uncertain significance for Inborn genetic diseases. Last evaluated: 2025-10-02. Review status: criteria provided, single submitter. Criteria: Ambry Variant Classification Scheme 2023. Collection method: clinical testing. Allele origin: germline.

GeneDx
Classification: Uncertain significance. Last evaluated: 2019-10-09. Review status: criteria provided, single submitter. Criteria: GeneDx Variant Classification Process June 2021. Collection method: clinical testing. Allele origin: germline. Affected: yes.
Comment: In silico analysis, which includes protein predictors and evolutionary conservation, supports that this variant does not alter protein structure/function; Has not been previously published as pathogenic or benign to our knowledge

NM_001363118.2(SLC52A2):c.370G>T (p.Ala124Ser)

Gene: SLC52A2 (solute carrier family 52 member 2; plus strand). Cytogenetic location: 8q24.3.
Variant type: single nucleotide variant.
Coding change: c.370G>T on transcript NM_001363118.2 (MANE Select); coding-DNA position 370, G replaced by T.
Protein change: p.Ala124Ser; replaces alanine 124 with serine.
Molecular consequence: missense variant. On other transcripts: non-coding transcript variant (1), intron variant (1).
Genome position (GRCh38, 1-based): chr8:144,359,862, G>T. VCF-style: chr8-144359862-G-T. GRCh37 (hg19) VCF-style: chr8-145583522-G-T.
Other names: c.370G>T, p.Ala124Ser (NM_001253815.2, NM_001253816.2, NM_001363120.2 and 2 more transcripts); c.131-253G>T (NM_001363122.2); c.370G>T (NM_024531.3, NM_001253816.1); short protein forms A124S.
Identifiers: ClinVar variation 1061238 (VCV001061238.9), dbSNP rs146274588, ClinGen allele CA4938175.
Genomic context (GRCh38, chr8:144,359,862, plus strand): 5'-CCAGTGGCAGGACAGTTGCATTCTGTGGCCTTCTTAGCACTGGCCTTTGTGCTGGCACTG[G>T]CATGCTGTGCCTCGAATGTCACTTTCCTGCCCTTCTTGAGCCACCTGCCACCTCGCTTCT-3'
Protein context (NP_001350047.1, residues 114-134): FLALAFVLAL[Ala124Ser]CCASNVTFLP